The following is an entry in ClinVar:

NM_001905.4(CTPS1):c.1087A>G (p.Ser363Gly)

Gene: CTPS1 (CTP synthase 1; plus strand). Cytogenetic location: 1p34.2.
Variant type: single nucleotide variant.
Coding change: c.1087A>G on transcript NM_001905.4 (MANE Select); coding-DNA position 1087, A replaced by G.
Protein change: p.Ser363Gly; replaces serine 363 with glycine.
Molecular consequence: missense variant. On other transcripts: non-coding transcript variant (1).
Genome position (GRCh38, 1-based): chr1:41,001,110, A>G. VCF-style: chr1-41001110-A-G. GRCh37 (hg19) VCF-style: chr1-41466782-A-G.
Other names: c.619A>G, p.Ser207Gly (NM_001301237.2); short protein forms S363G, S207G.
Identifiers: ClinVar variation 657856 (VCV000657856.8), dbSNP rs149054758, ClinGen allele CA795413.

ClinVar aggregate classification (germline): Uncertain significance (1 of 4 stars; one submission).

Conditions:
Combined immunodeficiency due to CTPS1 deficiency. Also called: Immunodeficiency 24; Severe combined immunodeficiency due to CTPS1 deficiency. Identifiers: Orphanet 420573, MedGen C4014617, MONDO:0014391, OMIM 615897.

Allele frequency attached by ClinVar (database versions not stated): gnomAD exomes 0.00002; TOPMed 0.00002; ESP Exome Variant Server 0.00008; ExAC 0.00001; gnomAD 0.00001 and 0.00002.

Submission:

Labcorp Genetics (formerly Invitae), Labcorp
Classification: Uncertain significance for Combined immunodeficiency due to CTPS1 deficiency. Last evaluated: 2025-07-31. Review status: criteria provided, single submitter. Criteria: Invitae Variant Classification Sherloc (09022015). Collection method: clinical testing. Allele origin: germline.
Comment: This sequence change replaces serine, which is neutral and polar, with glycine, which is neutral and non-polar, at codon 363 of the CTPS1 protein (p.Ser363Gly). This variant is present in population databases (rs149054758, gnomAD 0.01%). This variant has not been reported in the literature in individuals affected with CTPS1-related conditions. ClinVar contains an entry for this variant (Variation ID: 657856). An algorithm developed to predict the effect of missense changes on protein structure and function (PolyPhen-2) suggests that this variant is likely to be tolerated. In summary, the available evidence is currently insufficient to determine the role of this variant in disease. Therefore, it has been classified as a Variant of Uncertain Significance.